The following is an entry in ClinVar:

NM_006031.6(PCNT):c.8751+10G>A

Gene: PCNT (pericentrin; plus strand). Cytogenetic location: 21q22.3.
Variant type: single nucleotide variant.
Coding change: c.8751+10G>A on transcript NM_006031.6 (MANE Select); 10 bases into the intron after coding-DNA position 8751, G replaced by A.
Molecular consequence: intron variant.
Genome position (GRCh38, 1-based): chr21:46,432,225, G>A. VCF-style: chr21-46432225-G-A. GRCh37 (hg19) VCF-style: chr21-47852139-G-A.
Other names: c.8160+247G>A (NM_001315529.2); c.8751+10G>A (NM_006031.5).
Identifiers: ClinVar variation 2904793 (VCV002904793.4), dbSNP rs575078921, ClinGen allele CA10081044.

ClinVar aggregate classification (germline): Likely benign. Review status: criteria provided, multiple submitters, no conflicts (2 of 4 stars). 2 submissions from 2 submitters: Likely benign (2). Last evaluated 2025-10-14.

Conditions:
PCNT-related disorder. Also called: PCNT-related condition.

Allele frequency attached by ClinVar (database versions not stated): gnomAD 0.00002; TOPMed 0.00005; ExAC 0.00011.
gnomAD v4.1: 14 of 1,599,366 alleles (0.00088%); highest among the groups gnomAD compares: African/African-American, 0.008%; no homozygotes.

Submissions (2):

PreventionGenetics, part of Exact Sciences
Classification: Likely benign for PCNT-related condition. Last evaluated: 2025-10-14. Review status: criteria provided, single submitter. Criteria: ACMG Guidelines, 2015. Collection method: clinical testing. Allele origin: germline.
Comment: This variant is classified as likely benign based on ACMG/AMP sequence variant interpretation guidelines (Richards et al. 2015 PMID: 25741868, with internal and published modifications).

Labcorp Genetics (formerly Invitae), Labcorp
Classification: Likely benign. Last evaluated: 2023-11-02. Review status: criteria provided, single submitter. Criteria: Invitae Variant Classification Sherloc (09022015). Collection method: clinical testing. Allele origin: germline.